The following is an entry in ClinVar:

NM_153460.4(IL17RC):c.40C>T (p.Arg14Ter)

Gene: IL17RC (interleukin 17 receptor C; plus strand). Cytogenetic location: 3p25.3.
Variant type: single nucleotide variant.
Coding change: c.40C>T on transcript NM_153460.4 (MANE Select); coding-DNA position 40, C replaced by T.
Protein change: p.Arg14Ter; replaces arginine 14 with a stop codon.
Molecular consequence: nonsense. On other transcripts: non-coding transcript variant (1).
Genome position (GRCh38, 1-based): chr3:9,917,355, C>T. VCF-style: chr3-9917355-C-T. GRCh37 (hg19) VCF-style: chr3-9959039-C-T.
Other names: c.40C>T, p.Arg14Ter (NM_001203263.2, NM_001203264.2, NM_001203265.2 and 5 more transcripts); short protein forms R14*.
Identifiers: ClinVar variation 432520 (VCV000432520.5), dbSNP rs559955121, ClinGen allele CA2246640.

ClinVar aggregate classification (germline): Conflicting classifications of pathogenicity. Review status: criteria provided, conflicting classifications (1 of 4 stars). 3 submissions from 3 submitters: Likely pathogenic (1); Uncertain significance (2). Last evaluated 2024-12-18.

Conditions:
Candidiasis, familial, 9 (CANDF9). Identifiers: Orphanet 1334, MedGen C4225324, MONDO:0014642, OMIM 616445.
IL17RC-related disorder. Also called: IL17RC-related condition.

Allele frequency attached by ClinVar (database versions not stated): gnomAD 0.00001 and 0.00002; gnomAD exomes 0.00001; TOPMed 0.00001; ExAC 0.00002; 1000 Genomes Project 30x 0.00016; 1000 Genomes Project 0.00020.
gnomAD v4.1: 13 of 1,614,108 alleles (0.00081%); highest among the groups gnomAD compares: East Asian, 0.0045%; no homozygotes.

Submissions (3):

Genomic Medicine Center of Excellence, King Faisal Specialist Hospital and Research Centre
Classification: Uncertain significance for Candidiasis, familial, 9. Last evaluated: 2024-12-18. Review status: criteria provided, single submitter. Criteria: ACMG Guidelines, 2015. Collection method: clinical testing. Allele origin: germline.

Blueprint Genetics
Classification: Likely pathogenic for IL17RC-related disorders. Last evaluated: 2024-04-11. Review status: criteria provided, single submitter. Criteria: ACMG Guidelines, 2015. Collection method: clinical testing. Allele origin: germline. Affected: yes. Observed: 2 variant alleles.

GeneDx
Classification: Uncertain significance. Last evaluated: 2023-04-13. Review status: criteria provided, single submitter. Criteria: GeneDx Variant Classification Process June 2021. Collection method: clinical testing. Allele origin: germline. Affected: yes.
Comment: Nonsense variant predicted to result in protein truncation or nonsense mediated decay in a gene for which loss of function is a known mechanism of disease; Has not been previously published as pathogenic or benign to our knowledge